The following is an entry in ClinVar:

NM_000051.4(ATM):c.6901G>A (p.Ala2301Thr)

Genes: ATM (ATM serine/threonine kinase; plus strand), C11orf65 (chromosome 11 open reading frame 65; minus strand). Cytogenetic location: 11q22.3.
Variant type: single nucleotide variant.
Coding change: c.6901G>A on transcript NM_000051.4 (MANE Select); coding-DNA position 6901, G replaced by A.
Protein change: p.Ala2301Thr; replaces alanine 2301 with threonine.
Molecular consequence: missense variant. On other transcripts: intron variant (2).
Genome position (GRCh38, 1-based): chr11:108,326,151, G>A. VCF-style: chr11-108326151-G-A. GRCh37 (hg19) VCF-style: chr11-108196878-G-A.
Other names: c.6901G>A, p.Ala2301Thr (NM_001351834.2); c.641-17080C>T (NM_001330368.2); c.*38+9069C>T (NM_001351110.2); short protein forms A2301T.
Identifiers: ClinVar variation 407669 (VCV000407669.32), dbSNP rs1060501668, ClinGen allele CA16613422.

ClinVar aggregate classification (germline): Uncertain significance. Review status: criteria provided, multiple submitters, no conflicts (2 of 4 stars). 6 submissions from 6 submitters: Uncertain significance (5). 1 of the submissions does not count toward it. Last evaluated 2026-01-26.

Conditions:
Hereditary cancer-predisposing syndrome. Also called: Neoplastic Syndromes, Hereditary; Hereditary Cancer Syndrome; Tumor predisposition; Hereditary neoplastic syndrome. Identifiers: Orphanet 140162, MedGen C0027672, MeSH D009386, MONDO:0015356.
Familial cancer of breast. Also called: Hereditary breast cancer; BREAST CANCER, FAMILIAL; hereditary breast carcinoma. Identifiers: Orphanet 227535, MedGen C0346153, MONDO:0016419, OMIM 114480. Disease mechanism: loss of function.
Ataxia-telangiectasia syndrome (AT). Also called: LOUIS-BAR SYNDROME; Cerebello-oculocutaneous telangiectasia; Immunodeficiency with ataxia telangiectasia; Ataxia-telangiectasia, complementation group D; AT, COMPLEMENTATION GROUP C; Ataxia-telangiectasia, complementation group E. Identifiers: Orphanet 100, MedGen C0004135, MONDO:0008840, OMIM 208900.

Allele frequency attached by ClinVar (database versions not stated): gnomAD exomes below 0.00001.
gnomAD v4.1: 2 of 1,613,996 alleles (0.00012%); highest among the groups gnomAD compares: Admixed American, 0.0033%; no homozygotes.

Submissions (6):

Labcorp Genetics (formerly Invitae), Labcorp
Classification: Uncertain significance for Ataxia-telangiectasia syndrome. Last evaluated: 2026-01-26. Review status: criteria provided, single submitter. Criteria: Invitae Variant Classification Sherloc (09022015). Collection method: clinical testing. Allele origin: germline.
Comment: This sequence change replaces alanine, which is neutral and non-polar, with threonine, which is neutral and polar, at codon 2301 of the ATM protein (p.Ala2301Thr). This variant is not present in population databases (gnomAD no frequency). This variant has not been reported in the literature in individuals affected with ATM-related conditions. ClinVar contains an entry for this variant (Variation ID: 407669). Invitae Evidence Modeling of protein sequence and biophysical properties (such as structural, functional, and spatial information, amino acid conservation, physicochemical variation, residue mobility, and thermodynamic stability) has been performed for this missense variant. However, the output from this modeling did not meet the statistical confidence thresholds required to predict the impact of this variant on ATM protein function. In summary, the available evidence is currently insufficient to determine the role of this variant in disease. Therefore, it has been classified as a Variant of Uncertain Significance.

Ambry Genetics
Classification: Uncertain significance for Hereditary cancer-predisposing syndrome. Last evaluated: 2025-01-28. Review status: criteria provided, single submitter. Criteria: Ambry Variant Classification Scheme 2023. Collection method: clinical testing. Allele origin: germline.
Comment: The p.A2301T variant (also known as c.6901G>A), located in coding exon 46 of the ATM gene, results from a G to A substitution at nucleotide position 6901. The alanine at codon 2301 is replaced by threonine, an amino acid with similar properties. This amino acid position is highly conserved in available vertebrate species. In addition, the in silico prediction for this alteration is inconclusive. Based on the available evidence, the clinical significance of this variant remains unclear.

Baylor Genetics
Classification: Uncertain significance for Familial cancer of breast. Last evaluated: 2024-01-24. Review status: criteria provided, single submitter. Criteria: ACMG Guidelines, 2015. Collection method: clinical testing. Allele origin: unknown.

Color Diagnostics, LLC DBA Color Health
Classification: Uncertain significance for Hereditary cancer-predisposing syndrome. Last evaluated: 2023-12-04. Review status: criteria provided, single submitter. Criteria: ACMG Guidelines, 2015. Collection method: clinical testing. Allele origin: germline.
Comment: This missense variant replaces alanine with threonine at codon 2301 of the ATM protein. Computational prediction is inconclusive regarding the impact of this variant on protein structure and function (internally defined REVEL score threshold 0.5 < inconclusive < 0.7, PMID: 27666373). To our knowledge, functional studies have not been reported for this variant. This variant has not been reported in individuals affected with ATM-related disorders in the literature. This variant has not been identified in the general population by the Genome Aggregation Database (gnomAD). The available evidence is insufficient to determine the role of this variant in disease conclusively. Therefore, this variant is classified as a Variant of Uncertain Significance.

Blueprint Genetics
Classification: Uncertain significance. Last evaluated: 2019-08-15. Review status: criteria provided, single submitter. Criteria: ACMG Guidelines, 2015. Collection method: clinical testing. Allele origin: germline.

Natera, Inc.
Classification: Uncertain significance for Ataxia-telangiectasia. Last evaluated: 2021-01-11. Review status: no assertion criteria provided. Collection method: clinical testing. Allele origin: germline. Not counted in ClinVar's aggregate classification.